The following is an entry in ClinVar:

NM_000179.3(MSH6):c.2726T>C (p.Leu909Ser)

Gene: MSH6 (mutS homolog 6; plus strand). Cytogenetic location: 2p16.3.
Variant type: single nucleotide variant.
Coding change: c.2726T>C on transcript NM_000179.3 (MANE Select); coding-DNA position 2726, T replaced by C.
Protein change: p.Leu909Ser; replaces leucine 909 with serine.
Molecular consequence: missense variant.
Genome position (GRCh38, 1-based): chr2:47,800,709, T>C. VCF-style: chr2-47800709-T-C. GRCh37 (hg19) VCF-style: chr2-48027848-T-C.
Other names: c.2336T>C, p.Leu779Ser (NM_001281492.2); c.1820T>C, p.Leu607Ser (NM_001281493.2, NM_001281494.2); short protein forms L909S, L779S, L607S.
Identifiers: ClinVar variation 483804 (VCV000483804.20), dbSNP rs969521586, ClinGen allele CA46712047.

ClinVar aggregate classification (germline): Uncertain significance. Review status: criteria provided, multiple submitters, no conflicts (2 of 4 stars). 6 submissions from 6 submitters: Uncertain significance (6). Last evaluated 2025-07-30.

Conditions:
Hereditary nonpolyposis colorectal neoplasms. Identifiers: MedGen C0009405, MeSH D003123.
Hereditary cancer-predisposing syndrome. Also called: Tumor predisposition; Hereditary Cancer Syndrome; Hereditary neoplastic syndrome; Neoplastic Syndromes, Hereditary. Identifiers: Orphanet 140162, MedGen C0027672, MeSH D009386, MONDO:0015356.
Breast-ovarian cancer, familial, susceptibility to, 1 (BROVCA1). Also called: BRCA1 Hereditary Breast and Ovarian Cancer; OVARIAN CANCER, SUSCEPTIBILITY TO. Identifiers: Orphanet 145, MedGen C2676676, MONDO:0011450, OMIM 604370. Disease mechanism: loss of function.
Endometrial carcinoma. Also called: Endometrial carcinoma, somatic. Identifiers: MedGen C0476089, MONDO:0002447, OMIM 608089, HP:0012114.

Submissions (6):

Institute of Immunology and Genetics Kaiserslautern
Classification: Uncertain significance for Breast-ovarian cancer, familial, susceptibility to, 1. Last evaluated: 2025-07-30. Review status: criteria provided, single submitter. Criteria: ACMG Guidelines, 2015. Collection method: clinical testing. Allele origin: germline. Affected: yes.
Comment: ACMG Criteria: PM2_P, PP3, BP5 ; Variant was found in heterozygous state.

Labcorp Genetics (formerly Invitae), Labcorp
Classification: Uncertain significance for Hereditary nonpolyposis colorectal neoplasms. Last evaluated: 2025-06-08. Review status: criteria provided, single submitter. Criteria: Invitae Variant Classification Sherloc (09022015). Collection method: clinical testing. Allele origin: germline.
Comment: This sequence change replaces leucine, which is neutral and non-polar, with serine, which is neutral and polar, at codon 909 of the MSH6 protein (p.Leu909Ser). This variant is not present in population databases (gnomAD no frequency). This variant has not been reported in the literature in individuals affected with MSH6-related conditions. ClinVar contains an entry for this variant (Variation ID: 483804). Invitae Evidence Modeling of protein sequence and biophysical properties (such as structural, functional, and spatial information, amino acid conservation, physicochemical variation, residue mobility, and thermodynamic stability) indicates that this missense variant is expected to disrupt MSH6 protein function with a positive predictive value of 95%. In summary, the available evidence is currently insufficient to determine the role of this variant in disease. Therefore, it has been classified as a Variant of Uncertain Significance.

Ambry Genetics
Classification: Uncertain significance for Hereditary cancer-predisposing syndrome. Last evaluated: 2025-01-30. Review status: criteria provided, single submitter. Criteria: Ambry Variant Classification Scheme 2023. Collection method: clinical testing. Allele origin: germline.
Comment: The p.L909S variant (also known as c.2726T>C), located in coding exon 4 of the MSH6 gene, results from a T to C substitution at nucleotide position 2726. The leucine at codon 909 is replaced by serine, an amino acid with dissimilar properties. This amino acid position is highly conserved in available vertebrate species. In addition, this alteration is predicted to be deleterious by in silico analysis. Based on the available evidence, the clinical significance of this variant remains unclear.

Baylor Genetics
Classification: Uncertain significance for Endometrial carcinoma. Last evaluated: 2024-03-05. Review status: criteria provided, single submitter. Criteria: ACMG Guidelines, 2015. Collection method: clinical testing. Allele origin: unknown.

GeneDx
Classification: Uncertain significance. Last evaluated: 2023-12-31. Review status: criteria provided, single submitter. Criteria: GeneDx Variant Classification Process June 2021. Collection method: clinical testing. Allele origin: germline. Affected: yes.
Comment: Not observed at significant frequency in large population cohorts (gnomAD); In silico analysis supports that this missense variant has a deleterious effect on protein structure/function; Has not been previously published as pathogenic or benign to our knowledge; This variant is associated with the following publications: (PMID: 17531815, 21120944)

Color Diagnostics, LLC DBA Color Health
Classification: Uncertain significance for Hereditary cancer-predisposing syndrome. Last evaluated: 2023-12-05. Review status: criteria provided, single submitter. Criteria: ACMG Guidelines, 2015. Collection method: clinical testing. Allele origin: germline.
Comment: This missense variant replaces leucine with serine at codon 909 of the MSH6 protein. Computational prediction suggests that this variant may have deleterious impact on protein structure and function (internally defined REVEL score threshold >= 0.7, PMID: 27666373). To our knowledge, functional studies have not been reported for this variant. This variant has not been reported in individuals affected with MSH6-related disorders in the literature. This variant has not been identified in the general population by the Genome Aggregation Database (gnomAD). The available evidence is insufficient to determine the role of this variant in disease conclusively. Therefore, this variant is classified as a Variant of Uncertain Significance.